The following is an entry in ClinVar:

NM_000047.3(ARSL):c.520C>A (p.Pro174Thr)

Gene: ARSL (arylsulfatase L; minus strand). Cytogenetic location: Xp22.33.
Variant type: single nucleotide variant.
Coding change: c.520C>A on transcript NM_000047.3 (MANE Select); coding-DNA position 520, C replaced by A.
Protein change: p.Pro174Thr; replaces proline 174 with threonine.
Molecular consequence: missense variant.
Genome position (GRCh38, 1-based): chrX:2,949,638, G>T on the plus strand (C>A on the coding strand, the complement: ARSL is on the minus strand). VCF-style: chrX-2949638-G-T. GRCh37 (hg19) VCF-style: chrX-2867679-G-T.
Other names: c.358C>A, p.Pro120Thr (NM_001282631.2); c.547C>A, p.Pro183Thr (NM_001369079.1); c.595C>A, p.Pro199Thr (NM_001282628.2, NM_001369080.1); short protein forms P120T, P174T, P183T, P199T.
Identifiers: ClinVar variation 3340838 (VCV003340838.1).

ClinVar aggregate classification (germline): Uncertain significance (1 of 4 stars; one submission).

Submission:

GeneDx
Classification: Uncertain significance. Last evaluated: 2024-02-06. Review status: criteria provided, single submitter. Criteria: GeneDx Variant Classification Process June 2021. Collection method: clinical testing. Allele origin: germline. Affected: yes.
Comment: Not observed in large population cohorts (gnomAD); In silico analysis supports that this missense variant has a deleterious effect on protein structure/function; Has not been previously published as pathogenic or benign to our knowledge